The following is an entry in ClinVar:

NM_004385.5(VCAN):c.5844A>G (p.Ile1948Met)

Genes: VCAN (versican; plus strand), VCAN-AS1 (VCAN antisense RNA 1; minus strand). Cytogenetic location: 5q14.3.
Variant type: single nucleotide variant.
Coding change: c.5844A>G on transcript NM_004385.5 (MANE Select); coding-DNA position 5844, A replaced by G.
Protein change: p.Ile1948Met; replaces isoleucine 1948 with methionine.
Molecular consequence: missense variant. On other transcripts: intron variant (2).
Genome position (GRCh38, 1-based): chr5:83,538,847, A>G. VCF-style: chr5-83538847-A-G. GRCh37 (hg19) VCF-style: chr5-82834666-A-G.
Other names: c.2883A>G, p.Ile961Met (NM_001164097.2); c.4004-6690A>G (NM_001164098.2); c.1043-6690A>G (NM_001126336.3); short protein forms I961M, I1948M.
Identifiers: ClinVar variation 2198449 (VCV002198449.5), dbSNP rs780585492, ClinGen allele CA3333386.

ClinVar aggregate classification (germline): Conflicting classifications of pathogenicity. Review status: criteria provided, conflicting classifications (1 of 4 stars). 2 submissions from 2 submitters: Uncertain significance (1); Likely benign (1). Last evaluated 2022-08-10.

Allele frequency attached by ClinVar (database versions not stated): gnomAD 0.00001; gnomAD exomes 0.00001; TOPMed 0.00001; ExAC 0.00002.
gnomAD v4.1: 8 of 1,613,934 alleles (0.0005%); highest among the groups gnomAD compares: Non-Finnish European, 0.00059%; no homozygotes.

Submissions (2):

Labcorp Genetics (formerly Invitae), Labcorp
Classification: Uncertain significance. Last evaluated: 2022-08-10. Review status: criteria provided, single submitter. Criteria: Invitae Variant Classification Sherloc (09022015). Collection method: clinical testing. Allele origin: germline.
Comment: This sequence change replaces isoleucine, which is neutral and non-polar, with methionine, which is neutral and non-polar, at codon 1948 of the VCAN protein (p.Ile1948Met). In summary, the available evidence is currently insufficient to determine the role of this variant in disease. Therefore, it has been classified as a Variant of Uncertain Significance. Algorithms developed to predict the effect of missense changes on protein structure and function (SIFT, PolyPhen-2, Align-GVGD) all suggest that this variant is likely to be tolerated. This variant has not been reported in the literature in individuals affected with VCAN-related conditions. This variant is present in population databases (rs780585492, gnomAD 0.003%).

Blueprint Genetics
Classification: Likely benign. Last evaluated: 2022-01-27. Review status: criteria provided, single submitter. Criteria: ACMG Guidelines, 2015. Collection method: clinical testing. Allele origin: germline.